The following is an entry in ClinVar:

ClinVar aggregate classification (germline): Likely benign. Review status: criteria provided, multiple submitters, no conflicts (2 of 4 stars). 3 submissions from 3 submitters: Likely benign (2). 1 of the submissions does not count toward it. Last evaluated 2025-03-23.

Conditions:
IFT74-related disorder. Also called: IFT74-Related Disorders; IFT74-related condition.

Allele frequency attached by ClinVar (database versions not stated): ExAC 0.00001; gnomAD 0.00001 and 0.00002; gnomAD exomes 0.00001; TOPMed 0.00001.
gnomAD v4.1: 15 of 1,613,500 alleles (0.00093%); highest among the groups gnomAD compares: South Asian, 0.0033%; no homozygotes.

Submissions (3):

Labcorp Genetics (formerly Invitae), Labcorp
Classification: Likely benign. Last evaluated: 2025-03-23. Review status: criteria provided, single submitter. Criteria: Invitae Variant Classification Sherloc (09022015). Collection method: clinical testing. Allele origin: germline.

CeGaT Center for Human Genetics Tuebingen
Classification: Likely benign. Last evaluated: 2022-04-01. Review status: criteria provided, single submitter. Criteria: CeGaT Center For Human Genetics Tuebingen Variant Classification Criteria Version 2. Collection method: clinical testing. Allele origin: germline. Affected: yes. Observed: 1 variant allele.
Comment: IFT74: BP4, BP7

PreventionGenetics, part of Exact Sciences
Classification: Likely benign for IFT74-related condition. Last evaluated: 2019-12-12. Review status: no assertion criteria provided. Collection method: clinical testing. Allele origin: germline. Not counted in ClinVar's aggregate classification.
Comment: This variant is classified as likely benign based on ACMG/AMP sequence variant interpretation guidelines (Richards et al. 2015 PMID: 25741868, with internal and published modifications).

NM_025103.4(IFT74):c.216A>G (p.Val72=)

Gene: IFT74 (intraflagellar transport 74; plus strand). Cytogenetic location: 9p21.2.
Variant type: single nucleotide variant.
Coding change: c.216A>G on transcript NM_025103.4 (MANE Select); coding-DNA position 216, A replaced by G.
Protein change: p.Val72=; no amino-acid change (valine 72 retained).
Molecular consequence: synonymous variant.
Genome position (GRCh38, 1-based): chr9:26,978,223, A>G. VCF-style: chr9-26978223-A-G. GRCh37 (hg19) VCF-style: chr9-26978221-A-G.
Other names: c.216A>G, p.Val72= (NM_001099222.3, NM_001099223.3, NM_001099224.3 and 1 more transcripts); c.216A>G (NM_025103.2).
Identifiers: ClinVar variation 1585352 (VCV001585352.33), dbSNP rs749453994, ClinGen allele CA5014851.